The following is an entry in ClinVar:

NM_001701.4(BAAT):c.763del (p.Val255fs)

Gene: BAAT (bile acid-CoA:amino acid N-acyltransferase; minus strand). Cytogenetic location: 9q31.1.
Variant type: Deletion.
Coding change: c.763del on transcript NM_001701.4 (MANE Select); coding-DNA position 763, one base deleted (G; older notation c.763delG).
Protein change: p.Val255fs; shifts the reading frame from valine 255.
Molecular consequence: frameshift variant.
Genome position (GRCh38, 1-based): chr9:101,362,922, C deleted on the plus strand (G on the coding strand, the reverse complement: BAAT is on the minus strand); the first of 2 consecutive C bases (chr9:101,362,922-101,362,923); deleting either gives the same sequence. VCF-style (leftmost placement, unchanged base first): chr9-101362921-AC-A. GRCh37 (hg19) VCF-style: chr9-104125203-AC-A.
Other names: c.763del, p.Val255fs (NM_001127610.2, NM_001374715.1); short protein forms V255fs.
Identifiers: ClinVar variation 4983880 (VCV004983880.1).

ClinVar aggregate classification (germline): Uncertain significance (1 of 4 stars; one submission).

Conditions:
BAAT-related disorder. Also called: BAAT-related condition.

Submission:

PreventionGenetics, part of Exact Sciences
Classification: Uncertain significance for BAAT-related condition. Last evaluated: 2024-11-09. Review status: criteria provided, single submitter. Criteria: ACMG Guidelines, 2015. Collection method: clinical testing. Allele origin: germline.
Comment: The BAAT c.763delG variant is predicted to result in a frameshift and premature protein termination (p.Val255Tyrfs*30). To our knowledge, this variant has not been reported in the literature. This variant resides in the final exon of this gene, and it is unclear if the resulting mRNA would undergo nonsense-mediated decay. This variant is reported in 0.0044% of alleles in individuals of European (Non-Finnish) descent in gnomAD. At this time, the clinical significance of this variant is uncertain due to the absence of conclusive functional and genetic evidence.